The following is an entry in ClinVar:

NM_003640.5(ELP1):c.3597A>T (p.Lys1199Asn)

Gene: ELP1 (elongator acetyltransferase complex subunit 1; minus strand). Cytogenetic location: 9q31.3.
Variant type: single nucleotide variant.
Coding change: c.3597A>T on transcript NM_003640.5 (MANE Select); coding-DNA position 3597, A replaced by T.
Protein change: p.Lys1199Asn; replaces lysine 1199 with asparagine.
Molecular consequence: missense variant.
Genome position (GRCh38, 1-based): chr9:108,878,726, T>A on the plus strand (A>T on the coding strand, the complement: ELP1 is on the minus strand). VCF-style: chr9-108878726-T-A. GRCh37 (hg19) VCF-style: chr9-111641006-T-A.
Other names: c.3255A>T, p.Lys1085Asn (NM_001318360.2); c.2550A>T, p.Lys850Asn (NM_001330749.2); short protein forms K1199N, K1085N, K850N.
Identifiers: ClinVar variation 837654 (VCV000837654.7), dbSNP rs1827797013, ClinGen allele CA374411443.

ClinVar aggregate classification (germline): Uncertain significance (1 of 4 stars; one submission).

Submission:

Labcorp Genetics (formerly Invitae), Labcorp
Classification: Uncertain significance. Last evaluated: 2021-08-26. Review status: criteria provided, single submitter. Criteria: Invitae Variant Classification Sherloc (09022015). Collection method: clinical testing. Allele origin: germline.
Comment: This sequence change replaces lysine with asparagine at codon 1199 of the ELP1 protein (p.Lys1199Asn). The lysine residue is highly conserved and there is a moderate physicochemical difference between lysine and asparagine. This variant is not present in population databases (ExAC no frequency). This variant has not been reported in the literature in individuals affected with ELP1-related conditions. Algorithms developed to predict the effect of missense changes on protein structure and function are either unavailable or do not agree on the potential impact of this missense change (SIFT: "Deleterious"; PolyPhen-2: "Probably Damaging"; Align-GVGD: "Class C0"). In summary, the available evidence is currently insufficient to determine the role of this variant in disease. Therefore, it has been classified as a Variant of Uncertain Significance.